The following is an entry in ClinVar:

NM_001377.3(DYNC2H1):c.6799G>A (p.Asp2267Asn)

Gene: DYNC2H1 (dynein cytoplasmic 2 heavy chain 1; plus strand). Cytogenetic location: 11q22.3.
Variant type: single nucleotide variant.
Coding change: c.6799G>A on transcript NM_001377.3 (MANE Select); coding-DNA position 6799, G replaced by A.
Protein change: p.Asp2267Asn; replaces aspartic acid 2267 with asparagine.
Molecular consequence: missense variant.
Genome position (GRCh38, 1-based): chr11:103,186,407, G>A. VCF-style: chr11-103186407-G-A. GRCh37 (hg19) VCF-style: chr11-103057136-G-A.
Other names: c.6799G>A, p.Asp2267Asn (NM_001080463.2); short protein forms D2267N.
Identifiers: ClinVar variation 1462233 (VCV001462233.6), dbSNP rs2135029173, ClinGen allele CA382250393.
Genomic context (GRCh38, chr11:103,186,407, plus strand): 5'-GAAGACTTGACTGCTGATGATTTCAGTAACGGCTTAACTCTTCCAGTCATTCAGACTCCT[G>A]ACATGCAACGAGGTCTAGATTATTTCAAACCATGGTTAAGTTCTGATACTAAACAGCCCT-3'
Protein context (NP_001368.2, residues 2257-2277): GLTLPVIQTP[Asp2267Asn]MQRGLDYFKP

ClinVar aggregate classification (germline): Uncertain significance (1 of 4 stars; one submission).

Conditions:
Jeune thoracic dystrophy. Also called: Jeune syndrome; Infantile thoracic dystrophy; Thoracic pelvic phalangeal dystrophy; Jeune's syndrome; Chondroectodermal dysplasia-like syndrome; Short-rib thoracic dysplasia. Identifiers: Orphanet 474, MedGen C0265275, MONDO:0018770.

Submission:

Labcorp Genetics (formerly Invitae), Labcorp
Classification: Uncertain significance for Jeune thoracic dystrophy. Last evaluated: 2021-09-29. Review status: criteria provided, single submitter. Criteria: Invitae Variant Classification Sherloc (09022015). Collection method: clinical testing. Allele origin: germline.
Comment: In summary, the available evidence is currently insufficient to determine the role of this variant in disease. Therefore, it has been classified as a Variant of Uncertain Significance. This variant has not been reported in the literature in individuals affected with DYNC2H1-related conditions. This sequence change replaces aspartic acid with asparagine at codon 2267 of the DYNC2H1 protein (p.Asp2267Asn). The aspartic acid residue is highly conserved and there is a small physicochemical difference between aspartic acid and asparagine. This variant is not present in population databases (ExAC no frequency). Advanced modeling of protein sequence and biophysical properties (such as structural, functional, and spatial information, amino acid conservation, physicochemical variation, residue mobility, and thermodynamic stability) performed at Invitae indicates that this missense variant is not expected to disrupt DYNC2H1 protein function.